The following is an entry in ClinVar:

ClinVar aggregate classification (germline): Uncertain significance (1 of 4 stars; one submission).

Conditions:
Autosomal dominant nonsyndromic hearing loss 1. Also called: KONIGSMARK SYNDROME; DEAFNESS, AUTOSOMAL DOMINANT 1, WITH OR WITHOUT THROMBOCYTOPENIA. Identifiers: Orphanet 90635, MedGen C1852282, MONDO:0007424, OMIM 124900.
Progressive microcephaly-seizures-cortical blindness-developmental delay syndrome. Also called: Seizures, cortical blindness, and microcephaly syndrome. Identifiers: Orphanet 477814, MedGen C5567650, MONDO:0014714, OMIM 616632.

Allele frequency attached by ClinVar (database versions not stated): gnomAD exomes below 0.00001.
gnomAD v4.1: 1 of 1,607,978 alleles (0.000062%); highest among the groups gnomAD compares: Non-Finnish European, 0.000085%; no homozygotes.

Submission:

Labcorp Genetics (formerly Invitae), Labcorp
Classification: Uncertain significance for Progressive microcephaly-seizures-cortical blindness-developmental delay syndrome; Autosomal dominant nonsyndromic hearing loss 1. Last evaluated: 2024-10-29. Review status: criteria provided, single submitter. Criteria: Invitae Variant Classification Sherloc (09022015). Collection method: clinical testing. Allele origin: germline.
Comment: This sequence change replaces isoleucine, which is neutral and non-polar, with threonine, which is neutral and polar, at codon 596 of the DIAPH1 protein (p.Ile596Thr). This variant is not present in population databases (gnomAD no frequency). This variant has not been reported in the literature in individuals affected with DIAPH1-related conditions. ClinVar contains an entry for this variant (Variation ID: 2016652). Experimental studies and prediction algorithms are not available or were not evaluated, and the functional significance of this variant is currently unknown. In summary, the available evidence is currently insufficient to determine the role of this variant in disease. Therefore, it has been classified as a Variant of Uncertain Significance.

NM_005219.5(DIAPH1):c.1787T>C (p.Ile596Thr)

Gene: DIAPH1 (diaphanous related formin 1; minus strand). Cytogenetic location: 5q31.3.
Variant type: single nucleotide variant.
Coding change: c.1787T>C on transcript NM_005219.5 (MANE Select); coding-DNA position 1787, T replaced by C.
Protein change: p.Ile596Thr; replaces isoleucine 596 with threonine.
Molecular consequence: missense variant.
Genome position (GRCh38, 1-based): chr5:141,574,063, A>G on the plus strand (T>C on the coding strand, the complement: DIAPH1 is on the minus strand). VCF-style: chr5-141574063-A-G. GRCh37 (hg19) VCF-style: chr5-140953630-A-G.
Other names: c.1760T>C, p.Ile587Thr (NM_001079812.3); c.1787T>C, p.Ile596Thr (NM_001314007.2); short protein forms I587T, I596T.
Identifiers: ClinVar variation 2016652 (VCV002016652.4), dbSNP rs2513741872, ClinGen allele CA361521221.
Genomic context (GRCh38, chr5:141,574,063, plus strand): 5'-GGAGGAGGAGGAGGAGGAGGAGGAGGAGTGGTACTATCCCCAGGAGCAGGTGGTGGTGGA[A>G]TAATAGTGCCAGAGTCACCAGGTAAAGGAGGGGCAGGGGGAACAGGAGCACGACTAGGAA-3'
Protein context (NP_005210.3, residues 586-606): PPLPGDSGTI[Ile596Thr]PPPPAPGDST